The following is an entry in ClinVar:

ClinVar aggregate classification (germline): Likely benign (1 of 4 stars; one submission).

Allele frequency attached by ClinVar (database versions not stated): TOPMed below 0.00001; gnomAD 0.00001; gnomAD exomes 0.00002.
gnomAD v4.1: 24 of 1,614,094 alleles (0.0015%); highest among the groups gnomAD compares: Non-Finnish European, 0.002%; no homozygotes.

Submission:

GeneDx
Classification: Likely benign. Last evaluated: 2017-10-19. Review status: criteria provided, single submitter. Criteria: GeneDx Variant Classification (06012015). Collection method: clinical testing. Allele origin: germline. Affected: yes.
Comment: This variant is considered likely benign or benign based on one or more of the following criteria: it is a conservative change, it occurs at a poorly conserved position in the protein, it is predicted to be benign by multiple in silico algorithms, and/or has population frequency not consistent with disease.

NM_001371727.1(GABRB2):c.141T>C (p.Tyr47=)

Gene: GABRB2 (gamma-aminobutyric acid type A receptor subunit beta2; minus strand). Cytogenetic location: 5q34.
Variant type: single nucleotide variant.
Coding change: c.141T>C on transcript NM_001371727.1 (MANE Select); coding-DNA position 141, T replaced by C.
Protein change: p.Tyr47=; no amino-acid change (tyrosine 47 retained).
Molecular consequence: synonymous variant.
Genome position (GRCh38, 1-based): chr5:161,546,350, A>G on the plus strand (T>C on the coding strand, the complement: GABRB2 is on the minus strand). VCF-style: chr5-161546350-A-G. GRCh37 (hg19) VCF-style: chr5-160973356-A-G.
Other names: c.141T>C, p.Tyr47= (NM_000813.3, NM_021911.3).
Identifiers: ClinVar variation 512795 (VCV000512795.1), dbSNP rs909433122, ClinGen allele CA131044114.
Genomic context (GRCh38, chr5:161,546,350, plus strand): 5'-GGCTGGACTTATTTGCAAGGCAACCCCATTACCTCCAAAATCTGGTCTCAGACGAATGTC[A>G]TAGCCTTTCAGGAGTCTATCCACCGTCTCTTTAACCAGCGACATATTACTAGGGTCATTG-3'
Protein context (NP_001358656.1, residues 37-57): KETVDRLLKG[Tyr47=]DIRLRPDFGG